The following is an entry in ClinVar:

ClinVar aggregate classification (germline): Uncertain significance (1 of 4 stars; one submission).

Conditions:
ARID2-related disorder. Also called: ARID2-related condition.

Allele frequency attached by ClinVar (database versions not stated): TOPMed below 0.00001; gnomAD 0.00001.
gnomAD v4.1: 1 of 1,611,926 alleles (0.000062%); highest among the groups gnomAD compares: Admixed American, 0.0017%; no homozygotes.

Submission:

PreventionGenetics, part of Exact Sciences
Classification: Uncertain significance for ARID2-related condition. Last evaluated: 2023-03-22. Review status: criteria provided, single submitter. Criteria: ACMG Guidelines, 2015. Collection method: clinical testing. Allele origin: germline.
Comment: The ARID2 c.1486G>C variant is predicted to result in the amino acid substitution p.Ala496Pro. To our knowledge, this variant has not been reported in the literature or in a large population database, indicating this variant is rare. At this time, the clinical significance of this variant is uncertain due to the absence of conclusive functional and genetic evidence.

NM_152641.4(ARID2):c.1486G>C (p.Ala496Pro)

Gene: ARID2 (AT-rich interaction domain 2; plus strand). Cytogenetic location: 12q12.
Variant type: single nucleotide variant.
Coding change: c.1486G>C on transcript NM_152641.4 (MANE Select); coding-DNA position 1486, G replaced by C.
Protein change: p.Ala496Pro; replaces alanine 496 with proline.
Molecular consequence: missense variant.
Genome position (GRCh38, 1-based): chr12:45,839,484, G>C. VCF-style: chr12-45839484-G-C. GRCh37 (hg19) VCF-style: chr12-46233267-G-C.
Other names: c.1486G>C, p.Ala496Pro (NM_001347839.2); short protein forms A496P.
Identifiers: ClinVar variation 2633694 (VCV002633694.1), dbSNP rs1178169227, ClinGen allele CA384459751.